The following is an entry in ClinVar:

NM_006269.2(RP1):c.3797del (p.Lys1266fs)

Gene: RP1 (RP1 axonemal microtubule associated; plus strand). Cytogenetic location: 8q12.1.
Variant type: Deletion.
Coding change: c.3797del on transcript NM_006269.2 (MANE Select); coding-DNA position 3797, one base deleted (A; older notation c.3797delA).
Protein change: p.Lys1266fs; shifts the reading frame from lysine 1266.
Molecular consequence: frameshift variant. On other transcripts: intron variant (1).
Genome position (GRCh38, 1-based): chr8:54,627,679, A deleted; the last of 2 consecutive A bases (chr8:54,627,678-54,627,679); deleting either gives the same sequence. VCF-style (leftmost placement, unchanged base first): chr8-54627677-TA-T. GRCh37 (hg19) VCF-style: chr8-55540237-TA-T.
Other names: c.787+5391del (NM_001375654.1); short protein forms K1266fs.
Identifiers: ClinVar variation 1450869 (VCV001450869.8), dbSNP rs2129317292, ClinGen allele CA2573143176.

ClinVar aggregate classification (germline): Pathogenic (1 of 4 stars; one submission).

Submission:

Labcorp Genetics (formerly Invitae), Labcorp
Classification: Pathogenic. Last evaluated: 2022-03-09. Review status: criteria provided, single submitter. Criteria: Invitae Variant Classification Sherloc (09022015). Collection method: clinical testing. Allele origin: germline.
Comment: For these reasons, this variant has been classified as Pathogenic. This variant disrupts the C-terminus of the RP1 protein. Many variants that disrupt this region have been reported in individuals with either autosomal dominant or autosomal recessive retinitis pigmentosa (PMID: 11527933, 19933189, 29425069, 30027431). Therefore, variants that disrupt this region are expected to be disease-causing. This variant has not been reported in the literature in individuals affected with RP1-related conditions. This variant is not present in population databases (gnomAD no frequency). This sequence change creates a premature translational stop signal (p.Lys1266Argfs*28) in the RP1 gene. While this is not anticipated to result in nonsense mediated decay, it is expected to disrupt the last 891 amino acid(s) of the RP1 protein.

Literature cited by the submitters: PubMed 11527933; PubMed 19933189; PubMed 29425069; PubMed 30027431.